The following is an entry in ClinVar:

ClinVar aggregate classification (germline): Uncertain significance. Review status: criteria provided, multiple submitters, no conflicts (2 of 4 stars). 2 submissions from 2 submitters: Uncertain significance (2). Last evaluated 2025-04-20.

Conditions:
Left ventricular noncompaction 8 (LVNC8). Identifiers: Orphanet 154, Orphanet 54260, MedGen C3809288, MONDO:0014152, OMIM 615373.

gnomAD v4.1: 71 of 1,613,460 alleles (0.0044%); highest among the groups gnomAD compares: Non-Finnish European, 0.0055%; no homozygotes.

Submissions (2):

Labcorp Genetics (formerly Invitae), Labcorp
Classification: Uncertain significance for Left ventricular noncompaction 8. Last evaluated: 2025-04-20. Review status: criteria provided, single submitter. Criteria: Invitae Variant Classification Sherloc (09022015). Collection method: clinical testing. Allele origin: germline.
Comment: This sequence change replaces aspartic acid, which is acidic and polar, with asparagine, which is neutral and polar, at codon 332 of the PRDM16 protein (p.Asp332Asn). This variant is present in population databases (rs372445366, gnomAD 0.01%). This variant has not been reported in the literature in individuals affected with PRDM16-related conditions. ClinVar contains an entry for this variant (Variation ID: 3377906). An algorithm developed to predict the effect of missense changes on protein structure and function (PolyPhen-2) suggests that this variant is likely to be tolerated. In summary, the available evidence is currently insufficient to determine the role of this variant in disease. Therefore, it has been classified as a Variant of Uncertain Significance.

GeneDx
Classification: Uncertain significance. Last evaluated: 2024-05-15. Review status: criteria provided, single submitter. Criteria: GeneDx Variant Classification Process June 2021. Collection method: clinical testing. Allele origin: germline. Affected: yes.
Comment: Has not been previously published as pathogenic or benign to our knowledge; In silico analysis supports that this missense variant has a deleterious effect on protein structure/function

NM_022114.4(PRDM16):c.994G>A (p.Asp332Asn)

Gene: PRDM16 (PR/SET domain 16; plus strand). Cytogenetic location: 1p36.32.
Variant type: single nucleotide variant.
Coding change: c.994G>A on transcript NM_022114.4 (MANE Select); coding-DNA position 994, G replaced by A.
Protein change: p.Asp332Asn; replaces aspartic acid 332 with asparagine.
Molecular consequence: missense variant.
Genome position (GRCh38, 1-based): chr1:3,404,848, G>A. VCF-style: chr1-3404848-G-A. GRCh37 (hg19) VCF-style: chr1-3321412-G-A.
Other names: c.994G>A, p.Asp332Asn (NM_199454.3); short protein forms D332N.
Identifiers: ClinVar variation 3377906 (VCV003377906.3).